The following is an entry in ClinVar:

NM_005267.5(GJA8):c.110T>C (p.Leu37Pro)

Gene: GJA8 (gap junction protein alpha 8; plus strand). Cytogenetic location: 1q21.2.
Variant type: single nucleotide variant.
Coding change: c.110T>C on transcript NM_005267.5 (MANE Select); coding-DNA position 110, T replaced by C.
Protein change: p.Leu37Pro; replaces leucine 37 with proline.
Molecular consequence: missense variant.
Genome position (GRCh38, 1-based): chr1:147,908,065, T>C. VCF-style: chr1-147908065-T-C. GRCh37 (hg19) VCF-style: chr1-147380192-T-C.
Other names: short protein forms L37P.
Identifiers: ClinVar variation 4855994 (VCV004855994.1).

ClinVar aggregate classification (germline): Uncertain significance (1 of 4 stars; one submission).

Conditions:
Cataract 1 multiple types. Also called: CATARACT, DUFFY-LINKED; CATARACT 1, POSTERIOR SUBCAPSULAR, WITH MICROCORNEA; CATARACT 1, STELLATE NUCLEAR, WITH MICROCORNEA; CATARACT 1, MULTIPLE TYPES, WITH OR WITHOUT MICROCORNEA; CATARACT 1, NUCLEAR PROGRESSIVE; CATARACT 1 WITH MICROCORNEA. Identifiers: Orphanet 1377, MedGen C1861828, MONDO:0007285, OMIM 116200.

Submission:

3billion
Classification: Uncertain significance for Cataract 1 multiple types. Last evaluated: 2025-05-16. Review status: criteria provided, single submitter. Criteria: ACMG Guidelines, 2015. Collection method: clinical testing. Allele origin: germline. Affected: yes.
Comment: The variant is not observed in the gnomAD v4.1.0 dataset. Predicted Consequence/Location: Missense variant. Missense changes are a common disease-causing mechanism. In silico tool predictions suggest damaging effect of the variant on gene or gene product [REVEL: 0.99 (>=0.6, sensitivity 0.68 and specificity 0.92); 3Cnet: 0.86 (> 0.75, sensitivity 0.96 and precision 0.92)]. Therefore, this variant is classified as VUS according to the recommendation of ACMG/AMP guideline.